The following is an entry in ClinVar:

NM_170784.3(MKKS):c.235G>A (p.Ala79Thr)

Gene: MKKS (MKKS centrosomal shuttling protein; minus strand). Cytogenetic location: 20p12.2.
Variant type: single nucleotide variant.
Coding change: c.235G>A on transcript NM_170784.3 (MANE Select); coding-DNA position 235, G replaced by A.
Protein change: p.Ala79Thr; replaces alanine 79 with threonine.
Molecular consequence: missense variant.
Genome position (GRCh38, 1-based): chr20:10,413,280, C>T on the plus strand (G>A on the coding strand, the complement: MKKS is on the minus strand). VCF-style: chr20-10413280-C-T. GRCh37 (hg19) VCF-style: chr20-10393928-C-T.
Other names: c.235G>A, p.Ala79Thr (NM_018848.3); short protein forms A79T.
Identifiers: ClinVar variation 3354673 (VCV003354673.2).
Genomic context (GRCh38, chr20:10,413,280, plus strand): 5'-AAAGAATAGCTGTGAATAAGCCACAATCACTGAAGCTTGACACATGATTCTGTATGGAGG[C>T]TGTCAGGATCTTTAAAATGGGATGTGTGACCAAAAGGTGACTGAGCAGAGCTGAGGACTG-3'
Protein context (NP_740754.1, residues 69-89): VTHPILKILT[Ala79Thr]SIQNHVSSFS

ClinVar aggregate classification (germline): Uncertain significance. Review status: criteria provided, single submitter (1 of 4 stars). 2 submissions from 2 submitters: Uncertain significance (1). 1 of the submissions does not count toward it. Last evaluated 2024-05-31.

Conditions:
MKKS-related disorder. Also called: MKKS-related condition; MKKS-related disorders.
McKusick-Kaufman syndrome (MKKS). Also called: HYDROMETROCOLPOS SYNDROME; HYDROMETROCOLPOS, POSTAXIAL POLYDACTYLY, AND CONGENITAL HEART MALFORMATION. Identifiers: Orphanet 2473, MedGen C0948368, MONDO:0009367, OMIM 236700.
Bardet-Biedl syndrome 6 (BBS6). Identifiers: Orphanet 110, MedGen C1858054, MONDO:0011523, OMIM 605231.

gnomAD v4.1: 9 of 1,614,098 alleles (0.00056%); highest among the groups gnomAD compares: Non-Finnish European, 0.00068%; no homozygotes.

Submissions (2):

Fulgent Genetics
Classification: Uncertain significance for McKusick-Kaufman syndrome; Bardet-Biedl syndrome 6. Last evaluated: 2024-05-31. Review status: criteria provided, single submitter. Criteria: ACMG Guidelines, 2015. Collection method: clinical testing. Allele origin: germline.

PreventionGenetics, part of Exact Sciences
Classification: Uncertain significance for MKKS-related condition. Last evaluated: 2024-04-06. Review status: no assertion criteria provided. Collection method: clinical testing. Allele origin: germline. Not counted in ClinVar's aggregate classification.
Comment: The MKKS c.235G>A variant is predicted to result in the amino acid substitution p.Ala79Thr. To our knowledge, this variant has not been reported in the literature. This variant is reported in 0.0018% of alleles in individuals of European (Non-Finnish) descent in gnomAD. At this time, the clinical significance of this variant is uncertain due to the absence of conclusive functional and genetic evidence.